The following is an entry in ClinVar:

NM_000078.3(CETP):c.259G>T (p.Ala87Ser)

Gene: CETP (cholesteryl ester transfer protein; plus strand). Cytogenetic location: 16q13.
Variant type: single nucleotide variant.
Coding change: c.259G>T on transcript NM_000078.3 (MANE Select); coding-DNA position 259, G replaced by T.
Protein change: p.Ala87Ser; replaces alanine 87 with serine.
Molecular consequence: missense variant.
Genome position (GRCh38, 1-based): chr16:56,969,411, G>T. VCF-style: chr16-56969411-G-T. GRCh37 (hg19) VCF-style: chr16-57003323-G-T.
Other names: c.259G>T, p.Ala87Ser (NM_001286085.2); short protein forms A87S.
Identifiers: ClinVar variation 2329243 (VCV002329243.3), dbSNP rs779052928, ClinGen allele CA8070857.

ClinVar aggregate classification (germline): Uncertain significance. Review status: criteria provided, multiple submitters, no conflicts (2 of 4 stars). 2 submissions from 2 submitters: Uncertain significance (2). Last evaluated 2025-12-20.

gnomAD v4.1: 6 of 1,613,840 alleles (0.00037%); highest among the groups gnomAD compares: South Asian, 0.0055%; no homozygotes.

Submissions (2):

Labcorp Genetics (formerly Invitae), Labcorp
Classification: Uncertain significance. Last evaluated: 2025-12-20. Review status: criteria provided, single submitter. Criteria: Invitae Variant Classification Sherloc (09022015). Collection method: clinical testing. Allele origin: germline.
Comment: This sequence change replaces alanine, which is neutral and non-polar, with serine, which is neutral and polar, at codon 87 of the CETP protein (p.Ala87Ser). This variant is present in population databases (rs779052928, gnomAD 0.006%). This variant has not been reported in the literature in individuals affected with CETP-related conditions. ClinVar contains an entry for this variant (Variation ID: 2329243). Invitae Evidence Modeling of protein sequence and biophysical properties (such as structural, functional, and spatial information, amino acid conservation, physicochemical variation, residue mobility, and thermodynamic stability) indicates that this missense variant is not expected to disrupt CETP protein function with a negative predictive value of 80%. In summary, the available evidence is currently insufficient to determine the role of this variant in disease. Therefore, it has been classified as a Variant of Uncertain Significance.

Ambry Genetics
Classification: Uncertain significance. Last evaluated: 2022-11-22. Review status: criteria provided, single submitter. Criteria: Ambry Variant Classification Scheme 2023. Collection method: clinical testing. Allele origin: germline.